The following is an entry in ClinVar:

ClinVar aggregate classification (germline): Uncertain significance (1 of 4 stars; one submission).

Conditions:
Marfan syndrome (MFS). Also called: MARFAN SYNDROME, TYPE I; Marfan syndrome type 1; Marfan's syndrome; Marfan syndrome, classic; FBN1-Related Marfan Syndrome. Identifiers: Orphanet 284963, Orphanet 558, MedGen C0024796, MONDO:0007947, OMIM 154700.
Familial thoracic aortic aneurysm and aortic dissection (TAAD). Also called: Thoracic aortic aneurysms and dissections. Identifiers: Orphanet 91387, MedGen C4707243, MONDO:0019625.

Submission:

Labcorp Genetics (formerly Invitae), Labcorp
Classification: Uncertain significance for Marfan syndrome; Familial thoracic aortic aneurysm and aortic dissection. Last evaluated: 2023-11-24. Review status: criteria provided, single submitter. Criteria: Invitae Variant Classification Sherloc (09022015). Collection method: clinical testing. Allele origin: germline.
Comment: This sequence change affects codon 1757 of the FBN1 mRNA. It is a 'silent' change, meaning that it does not change the encoded amino acid sequence of the FBN1 protein. This variant is not present in population databases (gnomAD no frequency). This variant has not been reported in the literature in individuals affected with FBN1-related conditions. Algorithms developed to predict the effect of sequence changes on RNA splicing suggest that this variant may disrupt the consensus splice site. In summary, the available evidence is currently insufficient to determine the role of this variant in disease. Therefore, it has been classified as a Variant of Uncertain Significance.

NM_000138.5(FBN1):c.5271C>A (p.Ile1757=)

Gene: FBN1 (fibrillin 1; minus strand). Cytogenetic location: 15q21.1.
Variant type: single nucleotide variant.
Coding change: c.5271C>A on transcript NM_000138.5 (MANE Select); coding-DNA position 5271, C replaced by A.
Protein change: p.Ile1757=; no amino-acid change (isoleucine 1757 retained).
Molecular consequence: synonymous variant.
Genome position (GRCh38, 1-based): chr15:48,460,271, G>T on the plus strand (C>A on the coding strand, the complement: FBN1 is on the minus strand). VCF-style: chr15-48460271-G-T. GRCh37 (hg19) VCF-style: chr15-48752468-G-T.
Other names: c.5271C>A, p.Ile1757= (NM_001406716.1).
Identifiers: ClinVar variation 2954175 (VCV002954175.3), dbSNP rs1291913287, ClinGen allele CA490024124.